The following is an entry in ClinVar:

NM_000404.4(GLB1):c.572G>A (p.Ser191Asn)

Gene: GLB1 (galactosidase beta 1; minus strand). Cytogenetic location: 3p22.3.
Variant type: single nucleotide variant.
Coding change: c.572G>A on transcript NM_000404.4 (MANE Select); coding-DNA position 572, G replaced by A.
Protein change: p.Ser191Asn; replaces serine 191 with asparagine.
Molecular consequence: missense variant. On other transcripts: intron variant (1).
Genome position (GRCh38, 1-based): chr3:33,058,250, C>T on the plus strand (G>A on the coding strand, the complement: GLB1 is on the minus strand). VCF-style: chr3-33058250-C-T. GRCh37 (hg19) VCF-style: chr3-33099742-C-T.
Other names: c.572G>A (NM_000404.3); c.482G>A, p.Ser161Asn (NM_001079811.3); c.716G>A, p.Ser239Asn (NM_001317040.2); c.572G>A, p.Ser191Asn (NM_001393580.1); c.341-4701G>A (NM_001135602.3); short protein forms S191N, S239N, S161N.
Identifiers: ClinVar variation 549962 (VCV000549962.8), dbSNP rs1553611055, ClinGen allele CA352004835.

ClinVar aggregate classification (germline): Pathogenic/Likely pathogenic. Review status: criteria provided, multiple submitters, no conflicts (2 of 4 stars). 3 submissions from 3 submitters: Pathogenic (1); Likely pathogenic (1). 1 of the submissions does not count toward it. Last evaluated 2026-01-21.

Conditions:
GM1 gangliosidosis type 3. Also called: GANGLIOSIDOSIS, GENERALIZED GM1, ADULT TYPE; GANGLIOSIDOSIS, GENERALIZED GM1, CHRONIC TYPE; GANGLIOSIDOSIS, GENERALIZED GM1, TYPE III; GM1-GANGLIOSIDOSIS, TYPE III; Beta-galactosidase deficiency; Adult GM1 gangliosidosis. Identifiers: Orphanet 79257, MedGen C0268273, MONDO:0009262, OMIM 230650.
GM1 gangliosidosis type 2. Also called: GANGLIOSIDOSIS, GENERALIZED GM1, JUVENILE TYPE; GANGLIOSIDOSIS, GENERALIZED GM1, TYPE II; GM1-GANGLIOSIDOSIS, TYPE II; Juvenile GM>1< gangliosidosis; Gangliosidosis, Generalized GM1, Type 2. Identifiers: Orphanet 354, Orphanet 79256, MedGen C0268272, MONDO:0009261, OMIM 230600.
Infantile GM1 gangliosidosis. Also called: GM1 gangliosidosis type 1; GM1-gangliosidosis, type I; Gangliosidosis, generalized GM1, infantile form; GLB1 deficiency; Gangliosidosis, Generalized GM1, Type 1. Identifiers: Orphanet 354, Orphanet 79255, MedGen C0268271, MONDO:0009260, OMIM 230500.
Mucopolysaccharidosis, MPS-IV-B (MPS4B). Also called: Mucopolysaccharidosis type 4B; Mucopolysaccharidosis Type IVB (Morquio B Disease); MORQUIO SYNDROME B; Mucopolysaccharidosis type IVB (Morquio); MPS IVB; Mucopolysaccharidosis type IV B. Identifiers: Orphanet 309310, Orphanet 582, MedGen C0086652, MONDO:0009660, OMIM 253010.
GM1 gangliosidosis. Identifiers: Orphanet 354, MedGen C0085131, MONDO:0018149.

Allele frequency attached by ClinVar (database versions not stated): TOPMed below 0.00001; gnomAD exomes 0.00001.
gnomAD v4.1: 5 of 1,614,114 alleles (0.00031%); highest among the groups gnomAD compares: Non-Finnish European, 0.00042%; no homozygotes.

Submissions (3):

Labcorp Genetics (formerly Invitae), Labcorp
Classification: Pathogenic for Mucopolysaccharidosis, MPS-IV-B; GM1 gangliosidosis. Last evaluated: 2026-01-21. Review status: criteria provided, single submitter. Criteria: Invitae Variant Classification Sherloc (09022015). Collection method: clinical testing. Allele origin: germline.
Comment: This sequence change replaces serine, which is neutral and polar, with asparagine, which is neutral and polar, at codon 191 of the GLB1 protein (p.Ser191Asn). This variant is not present in population databases (gnomAD no frequency). This missense change has been observed in individual(s) with GM1-gangliosidosis (PMID: 21497194, 32779865). ClinVar contains an entry for this variant (Variation ID: 549962). Invitae Evidence Modeling of protein sequence and biophysical properties (such as structural, functional, and spatial information, amino acid conservation, physicochemical variation, residue mobility, and thermodynamic stability) indicates that this missense variant is expected to disrupt GLB1 protein function with a positive predictive value of 95%. For these reasons, this variant has been classified as Pathogenic.

Natera, Inc.
Classification: Likely pathogenic for Mucopolysaccharidosis, MPS-IV-B. Last evaluated: 2025-02-13. Review status: criteria provided, single submitter. Criteria: Natera Variant Classification Schema (03/2026). Collection method: clinical testing. Allele origin: germline.
Comment: The c.572G>A variant in GLB1 is a missense variant predicted to cause substitution of serine to asparagine at amino acid 191. This variant is rare in the general population with a frequency below the threshold expected for the associated phenotype(s). This variant has been observed in one or more individuals affected with the associated recessive disease, as either homozygous or compound heterozygous with a second variant (PMID: 21497194, 32779865). This variant has been identified in one or more affected individual with a phenotype highly consistent with the associated gene (PMID: 21497194, 32779865). A different variant at the same position has been determined to be Pathogenic or Likely Pathogenic. Computational prediction algorithms indicate this variant is likely to affect gene or protein function. Given the available evidence, this variant is classified as Likely Pathogenic.

Counsyl
Classification: Uncertain significance for Infantile GM1 gangliosidosis; GM1 gangliosidosis type 2; GM1 gangliosidosis type 3; Mucopolysaccharidosis, MPS-IV-B. Last evaluated: 2018-05-15. Review status: no assertion criteria provided. Collection method: clinical testing. Allele origin: unknown. Not counted in ClinVar's aggregate classification.

Literature cited by the submitters: PubMed 21497194 (cited by 3 submitters); PubMed 32779865 (cited by Labcorp Genetics (formerly Invitae), Labcorp and Natera, Inc.).